The following is an entry in ClinVar:

ClinVar aggregate classification (germline): Uncertain significance. Review status: criteria provided, multiple submitters, no conflicts (2 of 4 stars). 6 submissions from 6 submitters: Uncertain significance (6). Last evaluated 2026-06-29.

Conditions:
Cardiovascular phenotype. Identifiers: MedGen CN230736.
MYH6-related disorder. Also called: MYH6-Related Disorders; MYH6-related condition.
Hypertrophic cardiomyopathy 14. Identifiers: MedGen C2750467, MONDO:0013197, OMIM 613251.

Allele frequency attached by ClinVar (database versions not stated): gnomAD exomes 0.00001 and 0.00002; ExAC 0.00003; gnomAD 0.00012 and 0.00014; ESP Exome Variant Server 0.00015; TOPMed 0.00020.
gnomAD v4.1: 31 of 1,613,984 alleles (0.0019%); highest among the groups gnomAD compares: African/African-American, 0.036%; no homozygotes.

Submissions (6):

PreventionGenetics, part of Exact Sciences
Classification: Uncertain significance for MYH6-related condition. Last evaluated: 2026-06-29. Review status: criteria provided, single submitter. Criteria: ACMG Guidelines, 2015. Collection method: clinical testing. Allele origin: germline.
Comment: The MYH6 c.346-2A>G variant is predicted to disrupt the AG splice acceptor site and interfere with normal splicing. This variant has been reported in a peripartum cardiomyopathy cohort (Table S2, Ware et al. 2016. PubMed ID: 26735901; Table S2, Goli et al. 2021. PubMed ID: 33874732). This variant was also reported in a case of non‑ischemic sudden cardiac death with the autopsy findings of left ventricular hypertrophy and myocardial fibrosis (Holmström et al. 2021. PubMed ID: 34045587). This variant is reported in 0.032% of alleles in individuals of African descent in gnomAD and is interpreted as uncertain significance in ClinVar (Variation ID: 164255). Loss of function has not been established as a mechanism for MYH6-related disorders. At this time, the clinical significance of this variant is uncertain due to the absence of conclusive functional and genetic evidence.

Labcorp Genetics (formerly Invitae), Labcorp
Classification: Uncertain significance for Hypertrophic cardiomyopathy 14. Last evaluated: 2025-11-27. Review status: criteria provided, single submitter. Criteria: Invitae Variant Classification Sherloc (09022015). Collection method: clinical testing. Allele origin: germline.
Comment: This sequence change affects an acceptor splice site in intron 4 of the MYH6 gene. It is expected to disrupt RNA splicing. Variants that disrupt the donor or acceptor splice site typically lead to a loss of protein function (PMID: 16199547), however the current clinical and genetic evidence is not sufficient to establish whether loss-of-function variants in MYH6 cause disease. This variant is present in population databases (rs141187241, gnomAD 0.03%). Disruption of this splice site has been observed in individual(s) with peripartum cardiomyopathy (PMID: 26735901, 33874732). ClinVar contains an entry for this variant (Variation ID: 164255). Algorithms developed to predict the effect of sequence changes on RNA splicing suggest that this variant may disrupt the consensus splice site. In summary, the available evidence is currently insufficient to determine the role of this variant in disease. Therefore, it has been classified as a Variant of Uncertain Significance.

Ambry Genetics
Classification: Uncertain significance for Cardiovascular phenotype. Last evaluated: 2025-05-22. Review status: criteria provided, single submitter. Criteria: Ambry Variant Classification Scheme 2023. Collection method: clinical testing. Allele origin: germline.
Comment: The c.346-2A>G intronic variant results from an A to G substitution two nucleotides before coding exon 3 of the MYH6 gene. This nucleotide position is highly conserved in available vertebrate species. In silico splice site analysis predicts that this alteration will weaken the native splice acceptor site and will result in the creation or strengthening of a novel splice acceptor site. Alterations that disrupt the canonical splice site are expected to cause aberrant splicing, resulting in an abnormal protein or a transcript that is subject to nonsense-mediated mRNA decay. However, loss of function of MYH6 has not been clearly established as a mechanism of disease. Since supporting evidence is limited at this time, the clinical significance of this alteration remains unclear.

GeneDx
Classification: Uncertain significance. Last evaluated: 2024-12-09. Review status: criteria provided, single submitter. Criteria: GeneDx Variant Classification Process June 2021. Collection method: clinical testing. Allele origin: germline. Affected: yes.
Comment: Identified in at least one patient with peripartum cardiomyopathy in published literature (PMID: 33874732, 26735901); Canonical splice site variant in a gene or region of a gene for which loss of function is not a well-established mechanism of disease; This variant is associated with the following publications: (PMID: 33874732, 26735901)

New York Genome Center
Classification: Uncertain significance. Last evaluated: 2021-10-07. Review status: criteria provided, single submitter. Criteria: NYGC Assertion Criteria 2020. Collection method: clinical testing. Allele origin: inherited. Observed: 1 heterozygote. Study: CSER-NYCKidSeq.

Laboratory for Molecular Medicine, Mass General Brigham Personalized Medicine
Classification: Uncertain significance. Last evaluated: 2014-07-24. Review status: criteria provided, single submitter. Criteria: LMM Criteria. Collection method: clinical testing. Allele origin: germline. Observed: 1 variant allele.
Comment: The 346-2A>G variant in MYH6 has not been previously reported in individuals wit h cardiomyopathy, but has been identified in 2/4406 of African American chromoso mes by the NHLBI Exome Sequencing Project (db SNP rs141187241). This variant occurs in the invariant region (+/- 1,2) of the s plice consensus sequence and is predicted to cause altered splicing leading to a n abnormal or absent protein. The MYH6 gene has been implicated in the etiology of HCM and DCM (Carniel 2005) as well as ASD (Granados-Riveron 2010) though the overall evidence is modest at this point. To date, 1 splice variant has been re ported in an individual with ASD (Granados-Riveron 2010). In summary, the clinic al significance of the 346-2A>G variant is uncertain.

Literature cited by the submitters: PubMed 16199547 (cited by Labcorp Genetics (formerly Invitae), Labcorp); PubMed 26735901 (cited by Labcorp Genetics (formerly Invitae), Labcorp and Ambry Genetics); PubMed 33874732 (cited by Labcorp Genetics (formerly Invitae), Labcorp and Ambry Genetics); PubMed 34045587 (cited by Ambry Genetics).

NM_002471.4(MYH6):c.346-2A>G

Genes: MYH6 (myosin heavy chain 6; minus strand), LOC114827851 (VISTA enhancer hs2155; plus strand). Cytogenetic location: 14q11.2.
Variant type: single nucleotide variant.
Coding change: c.346-2A>G on transcript NM_002471.4 (MANE Select); the canonical splice acceptor site of the intron before coding-DNA position 346, A replaced by G.
Molecular consequence: splice acceptor variant.
Genome position (GRCh38, 1-based): chr14:23,405,381, T>C on the plus strand (A>G on the coding strand, the complement: MYH6 is on the minus strand). VCF-style: chr14-23405381-T-C. GRCh37 (hg19) VCF-style: chr14-23874590-T-C.
Identifiers: ClinVar variation 164255 (VCV000164255.24), dbSNP rs141187241, ClinGen allele CA176968.